The following is an entry in ClinVar:

NM_001199862.2(KCNAB2):c.594G>A (p.Pro198=)

Gene: KCNAB2 (potassium voltage-gated channel subfamily A regulatory beta subunit 2; plus strand). Cytogenetic location: 1p36.31.
Variant type: single nucleotide variant.
Coding change: c.594G>A on transcript NM_001199862.2 (MANE Select); coding-DNA position 594, G replaced by A.
Protein change: p.Pro198=; no amino-acid change (proline 198 retained).
Molecular consequence: synonymous variant.
Genome position (GRCh38, 1-based): chr1:6,090,468, G>A. VCF-style: chr1-6090468-G-A. GRCh37 (hg19) VCF-style: chr1-6150528-G-A.
Other names: c.495G>A, p.Pro165= (NM_001199860.2, NM_001199861.2, NM_003636.4); c.294G>A, p.Pro98= (NM_001199863.2); c.453G>A, p.Pro151= (NM_172130.3).
Identifiers: ClinVar variation 5038982 (VCV005038982.1).

ClinVar aggregate classification (germline): Likely benign (1 of 4 stars; one submission).

gnomAD v4.1: 83 of 1,613,158 alleles (0.0051%); highest among the groups gnomAD compares: South Asian, 0.016%; 2 homozygotes.

Submission:

CeGaT Center for Human Genetics Tuebingen
Classification: Likely benign. Last evaluated: 2026-07-01. Review status: criteria provided, single submitter. Criteria: CeGaT Center For Human Genetics Tuebingen Variant Classification Criteria Version 2. Collection method: clinical testing. Allele origin: germline. Affected: yes. Observed: 1 variant allele.
Comment: KCNAB2: BP4, BP7